The following is an entry in ClinVar:

ClinVar aggregate classification (germline): Uncertain significance (1 of 4 stars; one submission).

Conditions:
Familial cold autoinflammatory syndrome 2 (FCAS2). Identifiers: Orphanet 247868, MedGen C2673198, MONDO:0012724, OMIM 611762.

Submission:

Labcorp Genetics (formerly Invitae), Labcorp
Classification: Uncertain significance for Familial cold autoinflammatory syndrome 2. Last evaluated: 2023-09-01. Review status: criteria provided, single submitter. Criteria: Invitae Variant Classification Sherloc (09022015). Collection method: clinical testing. Allele origin: germline.
Comment: In summary, the available evidence is currently insufficient to determine the role of this variant in disease. Therefore, it has been classified as a Variant of Uncertain Significance. An algorithm developed to predict the effect of missense changes on protein structure and function (PolyPhen-2) suggests that this variant is likely to be tolerated. This variant has not been reported in the literature in individuals affected with NLRP12-related conditions. This variant is not present in population databases (gnomAD no frequency). This sequence change replaces leucine, which is neutral and non-polar, with glutamine, which is neutral and polar, at codon 691 of the NLRP12 protein (p.Leu691Gln).

NM_144687.4(NLRP12):c.2072T>A (p.Leu691Gln)

Gene: NLRP12 (NLR family pyrin domain containing 12; minus strand). Cytogenetic location: 19q13.42.
Variant type: single nucleotide variant.
Coding change: c.2072T>A on transcript NM_144687.4 (MANE Select); coding-DNA position 2072, T replaced by A.
Protein change: p.Leu691Gln; replaces leucine 691 with glutamine.
Molecular consequence: missense variant.
Genome position (GRCh38, 1-based): chr19:53,809,587, A>T on the plus strand (T>A on the coding strand, the complement: NLRP12 is on the minus strand). VCF-style: chr19-53809587-A-T. GRCh37 (hg19) VCF-style: chr19-54312841-A-T.
Other names: c.2072T>A, p.Leu691His (NM_001277126.2); c.2072T>A, p.Leu691Gln (NM_001277129.1); short protein forms L691H, L691Q.
Identifiers: ClinVar variation 2804769 (VCV002804769.3), dbSNP rs760012636, ClinGen allele CA407411484.